The following is an entry in ClinVar:

ClinVar aggregate classification (germline): Conflicting classifications of pathogenicity. Review status: criteria provided, conflicting classifications (1 of 4 stars). 4 submissions from 4 submitters: Uncertain significance (3); Benign (1). Last evaluated 2025-04-25.

Conditions:
Inborn genetic diseases. Identifiers: MedGen C0950123, MeSH D030342.
TECTA-related disorder. Also called: TECTA-related condition.

Allele frequency attached by ClinVar (database versions not stated): gnomAD 0.00004; ExAC 0.00005; TOPMed 0.00005; ESP Exome Variant Server 0.00015; 1000 Genomes Project 30x 0.00016; 1000 Genomes Project 0.00020.
gnomAD v4.1: 20 of 1,614,068 alleles (0.0012%); highest among the groups gnomAD compares: African/African-American, 0.021%; no homozygotes.

Submissions (4):

Ambry Genetics
Classification: Uncertain significance for Inborn genetic diseases. Last evaluated: 2025-04-25. Review status: criteria provided, single submitter. Criteria: Ambry Variant Classification Scheme 2023. Collection method: clinical testing. Allele origin: germline.

GeneDx
Classification: Uncertain significance. Last evaluated: 2025-03-03. Review status: criteria provided, single submitter. Criteria: GeneDx Variant Classification Process June 2021. Collection method: clinical testing. Allele origin: germline. Affected: yes.
Comment: In silico analysis indicates that this missense variant does not alter protein structure/function; Has not been previously published as pathogenic or benign to our knowledge; This variant is associated with the following publications: (PMID: 21520338, 31554319, 9590290)

PreventionGenetics, part of Exact Sciences
Classification: Uncertain significance for TECTA-related condition. Last evaluated: 2024-10-26. Review status: criteria provided, single submitter. Criteria: ACMG Guidelines, 2015. Collection method: clinical testing. Allele origin: germline.
Comment: The TECTA c.527A>G variant is predicted to result in the amino acid substitution p.Tyr176Cys. To our knowledge, this variant has not been reported in the literature. This variant is reported in 0.036% of alleles in individuals of African descent in gnomAD. At this time, the clinical significance of this variant is uncertain due to the absence of conclusive functional and genetic evidence.

Labcorp Genetics (formerly Invitae), Labcorp
Classification: Benign. Last evaluated: 2024-07-27. Review status: criteria provided, single submitter. Criteria: Invitae Variant Classification Sherloc (09022015). Collection method: clinical testing. Allele origin: germline.

NM_005422.4(TECTA):c.527A>G (p.Tyr176Cys)

Genes: TBCEL-TECTA (TBCEL-TECTA readthrough; plus strand), TECTA (tectorin alpha; plus strand). Cytogenetic location: 11q23.3.
Variant type: single nucleotide variant.
Coding change: c.527A>G on transcript NM_005422.4 (MANE Select); coding-DNA position 527, A replaced by G.
Protein change: p.Tyr176Cys; replaces tyrosine 176 with cysteine.
Molecular consequence: missense variant.
Genome position (GRCh38, 1-based): chr11:121,113,112, A>G. VCF-style: chr11-121113112-A-G. GRCh37 (hg19) VCF-style: chr11-120983821-A-G.
Other names: c.1484A>G, p.Tyr495Cys (NM_001378761.1); short protein forms Y176C, Y495C.
Identifiers: ClinVar variation 2277132 (VCV002277132.9), dbSNP rs371414224, ClinGen allele CA6326517.